The following is an entry in ClinVar:

NM_001174147.2(LMX1B):c.1193C>G (p.Ser398Cys)

Gene: LMX1B (LIM homeobox transcription factor 1 beta; plus strand). Cytogenetic location: 9q33.3.
Variant type: single nucleotide variant.
Coding change: c.1193C>G on transcript NM_001174147.2 (MANE Select); coding-DNA position 1193, C replaced by G.
Protein change: p.Ser398Cys; replaces serine 398 with cysteine.
Molecular consequence: missense variant.
Genome position (GRCh38, 1-based): chr9:126,696,435, C>G. VCF-style: chr9-126696435-C-G. GRCh37 (hg19) VCF-style: chr9-129458714-C-G.
Other names: c.1205C>G, p.Ser402Cys (NM_001174146.2); c.1172C>G, p.Ser391Cys (NM_002316.4); short protein forms S391C, S398C, S402C.
Identifiers: ClinVar variation 3911988 (VCV003911988.2).
Genomic context (GRCh38, chr9:126,696,435, plus strand): 5'-TGGGCTCCCTGCAGGCCCGCGTGGGGAACCCCATCGACCGGCTCTACTCCATGCAGAGTT[C>G]CTACTTCGCCTCCTGAGAGCCAGCCAGGCGCACGGACGCTTGGGCAGGGGCCTGGGGGGG-3'
Protein context (NP_001167618.1, residues 388-402): PIDRLYSMQS[Ser398Cys]YFAS

ClinVar aggregate classification (germline): Uncertain significance (1 of 4 stars; one submission).

Submission:

Women's Health and Genetics/Laboratory Corporation of America, LabCorp
Classification: Uncertain significance. Last evaluated: 2025-07-02. Review status: criteria provided, single submitter. Criteria: LabCorp Variant Classification Summary - May 2015. Collection method: clinical testing. Allele origin: germline.
Comment: Variant summary: LMX1B c.1172C>G (p.Ser391Cys) results in a non-conservative amino acid change in the encoded protein sequence. Algorithms developed to predict the effect of missense changes on protein structure and function all suggest that this variant is likely to be disruptive. The variant was absent in 251072 control chromosomes. The available data on variant occurrences in the general population are insufficient to allow any conclusion about variant significance. To our knowledge, no occurrence of c.1172C>G in individuals affected with Nail Patella Syndrome and no experimental evidence demonstrating its impact on protein function have been reported. No submitters have cited clinical-significance assessments for this variant to ClinVar. Based on the evidence outlined above, the variant was classified as uncertain significance.